The following is an entry in ClinVar:

NM_000016.6(ACADM):c.708+3A>G

Gene: ACADM (acyl-CoA dehydrogenase medium chain; plus strand). Cytogenetic location: 1p31.1.
Variant type: single nucleotide variant.
Coding change: c.708+3A>G on transcript NM_000016.6 (MANE Select); 3 bases into the intron after coding-DNA position 708, A replaced by G.
Molecular consequence: intron variant.
Genome position (GRCh38, 1-based): chr1:75,745,917, A>G. VCF-style: chr1-75745917-A-G. GRCh37 (hg19) VCF-style: chr1-76211602-A-G.
Other names: c.720+3A>G (NM_001127328.3); c.807+3A>G (NM_001286043.2); c.600+3A>G (NM_001286042.2); c.141+3A>G (NM_001286044.2).
Identifiers: ClinVar variation 1353415 (VCV001353415.6), dbSNP rs2100408597, ClinGen allele CA2573132604.

ClinVar aggregate classification (germline): Uncertain significance (1 of 4 stars; one submission).

Conditions:
Medium-chain acyl-coenzyme A dehydrogenase deficiency (ACADMD). Also called: ACADM DEFICIENCY; MCADH DEFICIENCY; MCADD; Medium chain acyl-CoA dehydrogenase deficiency; CARNITINE DEFICIENCY SECONDARY TO MEDIUM-CHAIN ACYL-CoA DEHYDROGENASE DEFICIENCY; MCAD Deficiency. Identifiers: Orphanet 42, MedGen C0220710, MONDO:0008721, OMIM 201450.

Allele frequency attached by ClinVar (database versions not stated): gnomAD exomes below 0.00001.
gnomAD v4.1: 1 of 1,597,974 alleles (0.000063%); highest among the groups gnomAD compares: Non-Finnish European, 0.000086%; no homozygotes.

Submission:

Labcorp Genetics (formerly Invitae), Labcorp
Classification: Uncertain significance for Medium-chain acyl-coenzyme A dehydrogenase deficiency. Last evaluated: 2024-12-02. Review status: criteria provided, single submitter. Criteria: Invitae Variant Classification Sherloc (09022015). Collection method: clinical testing. Allele origin: germline.
Comment: This sequence change falls in intron 8 of the ACADM gene. It does not directly change the encoded amino acid sequence of the ACADM protein. It affects a nucleotide within the consensus splice site. This variant is not present in population databases (gnomAD no frequency). This variant has not been reported in the literature in individuals affected with ACADM-related conditions. ClinVar contains an entry for this variant (Variation ID: 1353415). Variants that disrupt the consensus splice site are a relatively common cause of aberrant splicing (PMID: 17576681, 9536098). Algorithms developed to predict the effect of sequence changes on RNA splicing suggest that this variant is not likely to affect RNA splicing. In summary, the available evidence is currently insufficient to determine the role of this variant in disease. Therefore, it has been classified as a Variant of Uncertain Significance.

Literature cited by the submitters: PubMed 17576681; PubMed 9536098.